The following is an entry in ClinVar:

ClinVar aggregate classification (germline): Pathogenic (1 of 4 stars; one submission).

Submission:

Labcorp Genetics (formerly Invitae), Labcorp
Classification: Pathogenic. Last evaluated: 2022-05-27. Review status: criteria provided, single submitter. Criteria: Invitae Variant Classification Sherloc (09022015). Collection method: clinical testing. Allele origin: germline.
Comment: This sequence change creates a premature translational stop signal (p.Thr265Lysfs*15) in the PAFAH1B1 gene. It is expected to result in an absent or disrupted protein product. Loss-of-function variants in PAFAH1B1 are known to be pathogenic (PMID: 1671808, 11115846, 14581661). This variant is not present in population databases (gnomAD no frequency). This variant has not been reported in the literature in individuals affected with PAFAH1B1-related conditions. For these reasons, this variant has been classified as Pathogenic.

Literature cited by the submitters: PubMed 1671808; PubMed 11115846; PubMed 14581661.

NM_000430.4(PAFAH1B1):c.794del (p.Thr265fs)

Gene: PAFAH1B1 (platelet activating factor acetylhydrolase 1b regulatory subunit 1; plus strand). Cytogenetic location: 17p13.3.
Variant type: Deletion.
Coding change: c.794del on transcript NM_000430.4 (MANE Select); coding-DNA position 794, one base deleted (C; older notation c.794delC).
Protein change: p.Thr265fs; shifts the reading frame from threonine 265.
Molecular consequence: frameshift variant.
Genome position (GRCh38, 1-based): chr17:2,674,182, C deleted. VCF-style (leftmost placement, unchanged base first): chr17-2674181-AC-A. GRCh37 (hg19) VCF-style: chr17-2577475-AC-A.
Other names: short protein forms T265fs.
Identifiers: ClinVar variation 1457753 (VCV001457753.6), dbSNP rs2151667927, ClinGen allele CA2573153015.
Genomic context (GRCh38, chr17:2,674,181, plus strand): 5'-GATGGCACTCTGATAGCCAGCTGTTCCAATGACCAGACTGTGCGTGTATGGGTCGTAGCA[AC>A]AAAGGAATGCAAGGCTGAGCTCCGAGAGCATGAGCATGTGGTAGAATGCATTTCCTGGGC-3'